The following is an entry in ClinVar:

ClinVar aggregate classification (germline): Benign (1 of 4 stars; one submission).

Allele frequency attached by ClinVar (database versions not stated): gnomAD 0.93526 and 0.93667; TOPMed 0.93936; 1000 Genomes Project 30x 0.94191; 1000 Genomes Project 0.94209.
gnomAD v4.1: 142,205 of 152,008 alleles (94%); highest among the groups gnomAD compares: East Asian, 100%; 66,543 homozygotes.

Submission:

GeneDx
Classification: Benign. Last evaluated: 2018-06-19. Review status: criteria provided, single submitter. Criteria: GeneDx Variant Classification (06012015). Collection method: clinical testing. Allele origin: germline. Affected: yes.
Comment: This variant is considered likely benign or benign based on one or more of the following criteria: it is a conservative change, it occurs at a poorly conserved position in the protein, it is predicted to be benign by multiple in silico algorithms, and/or has population frequency not consistent with disease.

NM_003850.3(SUCLA2):c.663+229T>G

Gene: SUCLA2 (succinate-CoA ligase ADP-forming subunit beta; minus strand). Cytogenetic location: 13q14.2.
Variant type: single nucleotide variant.
Coding change: c.663+229T>G on transcript NM_003850.3 (MANE Select); 229 bases into the intron after coding-DNA position 663, T replaced by G.
Molecular consequence: intron variant.
Genome position (GRCh38, 1-based): chr13:47,973,035, A>C on the plus strand (T>G on the coding strand, the complement: SUCLA2 is on the minus strand). VCF-style: chr13-47973035-A-C. GRCh37 (hg19) VCF-style: chr13-48547170-A-C.
Identifiers: ClinVar variation 670147 (VCV000670147.1), dbSNP rs4942724, ClinGen allele CA16467769.